The following is an entry in ClinVar:

NM_000218.3(KCNQ1):c.1393+30303T>A

Genes: KCNQ1 (potassium voltage-gated channel subfamily Q member 1; plus strand), KCNQ1OT1 (KCNQ1 opposite strand/antisense transcript 1; minus strand). Cytogenetic location: 11p15.5.
Variant type: single nucleotide variant.
Coding change: c.1393+30303T>A on transcript NM_000218.3 (MANE Select); 30303 bases into the intron after coding-DNA position 1393, T replaced by A.
Molecular consequence: intron variant. On other transcripts: non-coding transcript variant (1).
Genome position (GRCh38, 1-based): chr11:2,619,157, T>A. VCF-style: chr11-2619157-T-A. GRCh37 (hg19) VCF-style: chr11-2640387-T-A.
Other names: c.1297+30303T>A (NM_001406836.1); c.853+30303T>A (NM_001406838.1); c.1012+30303T>A (NM_181798.2); c.1123+30303T>A (NM_001406837.1).
Identifiers: ClinVar variation 2641379 (VCV002641379.24), dbSNP rs375145914, ClinGen allele CA216361356.
Genomic context (GRCh38, chr11:2,619,157, plus strand): 5'-TATGTAGGATCATGTCATCTTCATATAAAGATAATATTACTTCTTACTTCCTGATTTGAA[T>A]GTCTTTCATTTCTTTTTCTTGTCTGTTTGGTTGTACTAGTACTTCCAGTACTATGTTGAG-3'

ClinVar aggregate classification (germline): Benign (1 of 4 stars; one submission).

Allele frequency attached by ClinVar (database versions not stated): gnomAD exomes 0.00004; gnomAD 0.00009; 1000 Genomes Project 0.00040; 1000 Genomes Project 30x 0.00047.
gnomAD v4.1: 26 of 398,562 alleles (0.0065%); highest among the groups gnomAD compares: East Asian, 0.064%; no homozygotes.

Submission:

CeGaT Center for Human Genetics Tuebingen
Classification: Benign. Last evaluated: 2022-08-01. Review status: criteria provided, single submitter. Criteria: CeGaT Center For Human Genetics Tuebingen Variant Classification Criteria Version 2. Collection method: clinical testing. Allele origin: germline. Affected: yes. Observed: 1 variant allele.
Comment: KCNQ1OT1: BS1, BS2